The following is an entry in ClinVar:

NM_022124.6(CDH23):c.332del (p.Gln111fs)

Genes: CDH23 (cadherin related 23; plus strand), CDH23-AS1 (CDH23 antisense RNA 1; minus strand). Cytogenetic location: 10q22.1.
Variant type: Deletion.
Coding change: c.332del on transcript NM_022124.6 (MANE Select); coding-DNA position 332, one base deleted (A; older notation c.332delA).
Protein change: p.Gln111fs; shifts the reading frame from glutamine 111.
Molecular consequence: frameshift variant.
Genome position (GRCh38, 1-based): chr10:71,510,997, A deleted. VCF-style (leftmost placement, unchanged base first): chr10-71510996-CA-C. GRCh37 (hg19) VCF-style: chr10-73270753-CA-C.
Other names: c.332del, p.Gln111fs (NM_001171930.2, NM_001171931.2, NM_001171932.2 and 1 more transcripts); short protein forms Q111fs.
Identifiers: ClinVar variation 2830098 (VCV002830098.3), dbSNP rs2493195989, ClinGen allele CA2609563205.
Genomic context (GRCh38, chr10:71,510,996, plus strand): 5'-CTCTCACTTTTCTTTCAGACCAAGTCAGAGTTCACCGTGGAGTTCTCTGTCAGCGACCAC[CA>C]GGGGGTGAGTGTTCCCTGGGGCCCTGGAGGCATGTTCCTGGGGTCACAGGATTTCTGGAC-3'

ClinVar aggregate classification (germline): Pathogenic (1 of 4 stars; one submission).

Allele frequency attached by ClinVar (database versions not stated): gnomAD exomes below 0.00001.

Submission:

Labcorp Genetics (formerly Invitae), Labcorp
Classification: Pathogenic. Last evaluated: 2023-01-19. Review status: criteria provided, single submitter. Criteria: Invitae Variant Classification Sherloc (09022015). Collection method: clinical testing. Allele origin: germline.
Comment: For these reasons, this variant has been classified as Pathogenic. This variant has not been reported in the literature in individuals affected with CDH23-related conditions. This variant is not present in population databases (gnomAD no frequency). This sequence change creates a premature translational stop signal (p.Gln111Argfs*3) in the CDH23 gene. It is expected to result in an absent or disrupted protein product. Loss-of-function variants in CDH23 are known to be pathogenic (PMID: 11138009, 21940737).

Literature cited by the submitters: PubMed 11138009; PubMed 21940737.